The following is an entry in ClinVar:

NM_130384.3(ATRIP):c.402A>T (p.Glu134Asp)

Genes: ATRIP (ATR interacting protein; plus strand), ATRIP-TREX1 (ATRIP-TREX1 readthrough; plus strand). Cytogenetic location: 3p21.31.
Variant type: single nucleotide variant.
Coding change: c.402A>T on transcript NM_130384.3 (MANE Select); coding-DNA position 402, A replaced by T.
Protein change: p.Glu134Asp; replaces glutamic acid 134 with aspartic acid.
Molecular consequence: missense variant. On other transcripts: non-coding transcript variant (1).
Genome position (GRCh38, 1-based): chr3:48,451,749, A>T. VCF-style: chr3-48451749-A-T. GRCh37 (hg19) VCF-style: chr3-48493155-A-T.
Other names: c.21A>T, p.Glu7Asp (NM_001271022.2); c.123A>T, p.Glu41Asp (NM_001271023.2); c.402A>T, p.Glu134Asp (NM_032166.4); short protein forms E7D, E134D, E41D.
Identifiers: ClinVar variation 3464809 (VCV003464809.1).
Genomic context (GRCh38, chr3:48,451,749, plus strand): 5'-CTCTTACAAAGTTTTCACGAGATTAATTTGGGATTTACAGATGAAAGTAATGGAAGAAGA[A>T]GTTCTCATTAAGAATGGAGAAATTAAAATTTTGCGAGACTCACTACATCAGACGGAATCC-3'
Protein context (NP_569055.1, residues 124-144): LKEKMKVMEE[Glu134Asp]VLIKNGEIKI

ClinVar aggregate classification (germline): Uncertain significance (1 of 4 stars; one submission).

Submission:

Ambry Genetics
Classification: Uncertain significance. Last evaluated: 2024-11-30. Review status: criteria provided, single submitter. Criteria: Ambry Variant Classification Scheme 2023. Collection method: clinical testing. Allele origin: germline.
Comment: The p.E134D variant (also known as c.402A>T), located in coding exon 3 of the ATRIP gene, results from an A to T substitution at nucleotide position 402. The glutamic acid at codon 134 is replaced by aspartic acid, an amino acid with highly similar properties. This amino acid position is conserved. In addition, this alteration is predicted to be tolerated by in silico analysis. Based on the available evidence, the clinical significance of this variant remains unclear.